The following is an entry in ClinVar:

ClinVar aggregate classification (germline): Likely benign. Review status: criteria provided, multiple submitters, no conflicts (2 of 4 stars). 2 submissions from 2 submitters: Likely benign (2). Last evaluated 2018-01-13.

Conditions:
PMM2-congenital disorder of glycosylation. Also called: CDG Ia; JAEKEN SYNDROME; PHOSPHOMANNOMUTASE 2 DEFICIENCY; Congenital disorder of glycosylation, type Ia; CARBOHYDRATE-DEFICIENT GLYCOPROTEIN SYNDROME, TYPE Ia; PMM2-CDG. Identifiers: Orphanet 79318, MedGen C0349653, MONDO:0008907, OMIM 212065.

Allele frequency attached by ClinVar (database versions not stated): 1000 Genomes Project 0.01158; 1000 Genomes Project 30x 0.01202; TOPMed 0.02892; gnomAD 0.03294; gnomAD exomes 0.05455.
gnomAD v4.1: 4,391 of 152,420 alleles (2.9%); highest among the groups gnomAD compares: Non-Finnish European, 4.7%; 86 homozygotes.

Submissions (2):

Illumina Laboratory Services, Illumina
Classification: Likely benign for PMM2-congenital disorder of glycosylation. Last evaluated: 2018-01-13. Review status: criteria provided, single submitter. Criteria: ICSL Variant Classification Criteria 13 December 2019. Collection method: clinical testing. Allele origin: germline.
Comment: This variant was observed in the ICSL laboratory as part of a predisposition screen in an ostensibly healthy population. It had not been previously curated by ICSL or reported in the Human Gene Mutation Database (HGMD: prior to June 1st, 2018), and was therefore a candidate for classification through an automated scoring system. Utilizing variant allele frequency, disease prevalence and penetrance estimates, and inheritance mode, an automated score was calculated to assess if this variant is too frequent to cause the disease. Based on the score and internal cut-off values, a variant classified as likely benign is not then subjected to further curation. The score for this variant resulted in a classification of likely benign for this disease.

Breakthrough Genomics
Classification: Likely benign. Review status: criteria provided, single submitter. Criteria: ACMG Guidelines, 2015. Collection method: not provided. Allele origin: germline. Inheritance: Autosomal recessive inheritance. Affected: yes.

NM_000303.3(PMM2):c.*1360C>T

Gene: PMM2 (phosphomannomutase 2; plus strand). Cytogenetic location: 16p13.2.
Variant type: single nucleotide variant.
Coding change: c.*1360C>T on transcript NM_000303.3 (MANE Select); 1360 bases downstream of the stop codon, C replaced by T.
Molecular consequence: 3 prime UTR variant.
Genome position (GRCh38, 1-based): chr16:8,849,185, C>T. VCF-style: chr16-8849185-C-T. GRCh37 (hg19) VCF-style: chr16-8943042-C-T.
Identifiers: ClinVar variation 321272 (VCV000321272.6), dbSNP rs72766381, ClinGen allele CA10638656.